The following is an entry in ClinVar:

NM_001040108.2(MLH3):c.956T>A (p.Val319Glu)

Gene: MLH3 (mutL homolog 3; minus strand). Cytogenetic location: 14q24.3.
Variant type: single nucleotide variant.
Coding change: c.956T>A on transcript NM_001040108.2 (MANE Select); coding-DNA position 956, T replaced by A.
Protein change: p.Val319Glu; replaces valine 319 with glutamic acid.
Molecular consequence: missense variant.
Genome position (GRCh38, 1-based): chr14:75,048,700, A>T on the plus strand (T>A on the coding strand, the complement: MLH3 is on the minus strand). VCF-style: chr14-75048700-A-T. GRCh37 (hg19) VCF-style: chr14-75515403-A-T.
Other names: c.956T>A, p.Val319Glu (NM_014381.3); short protein forms V319E.
Identifiers: ClinVar variation 2771509 (VCV002771509.3), dbSNP rs1892443536, ClinGen allele CA390448557.

ClinVar aggregate classification (germline): Uncertain significance (1 of 4 stars; one submission).

Conditions:
Colorectal cancer, hereditary nonpolyposis, type 7. Identifiers: Orphanet 144, MedGen C1858380, MONDO:0013725, OMIM 614385.

Submission:

Labcorp Genetics (formerly Invitae), Labcorp
Classification: Uncertain significance for Colorectal cancer, hereditary nonpolyposis, type 7. Last evaluated: 2023-10-24. Review status: criteria provided, single submitter. Criteria: Invitae Variant Classification Sherloc (09022015). Collection method: clinical testing. Allele origin: germline.
Comment: This sequence change replaces valine, which is neutral and non-polar, with glutamic acid, which is acidic and polar, at codon 319 of the MLH3 protein (p.Val319Glu). This variant is not present in population databases (gnomAD no frequency). This variant has not been reported in the literature in individuals affected with MLH3-related conditions. An algorithm developed to predict the effect of missense changes on protein structure and function (PolyPhen-2) suggests that this variant is likely to be disruptive. In summary, the available evidence is currently insufficient to determine the role of this variant in disease. Therefore, it has been classified as a Variant of Uncertain Significance.